The following is an entry in ClinVar:

ClinVar aggregate classification (germline): Likely pathogenic (1 of 4 stars; one submission).

Conditions:
Juvenile neuronal ceroid lipofuscinosis. Also called: Batten Disease. Identifiers: Orphanet 79264, MedGen CN293564, MONDO:0019262.

Submission:

Natera, Inc.
Classification: Likely pathogenic for Batten Disease. Last evaluated: 2024-09-05. Review status: criteria provided, single submitter. Criteria: Natera Variant Classification Schema (03/2026). Collection method: clinical testing. Allele origin: germline.
Comment: The c.837+1G>A variant in CLN3 is a canonical splice donor site variant predicted to affect pre-mRNA splicing, which may result in an abnormal transcript and altered protein product. This variant is expected to result in nonsense mediated decay, truncation, or a dysfunctional protein product. This variant is rare in the general population with a frequency below the threshold expected for the associated phenotype(s). Given the available evidence, this variant is classified as Likely Pathogenic.

NM_001042432.2(CLN3):c.837+1G>A

Gene: CLN3 (CLN3 lysosomal/endosomal transmembrane protein, battenin; minus strand). Cytogenetic location: 16p12.1.
Variant type: single nucleotide variant.
Coding change: c.837+1G>A on transcript NM_001042432.2 (MANE Select); the canonical splice donor site of the intron after coding-DNA position 837, G replaced by A.
Molecular consequence: splice donor variant.
Genome position (GRCh38, 1-based): chr16:28,482,625, C>T on the plus strand (G>A on the coding strand, the complement: CLN3 is on the minus strand). VCF-style: chr16-28482625-C-T. GRCh37 (hg19) VCF-style: chr16-28493946-C-T.
Other names: c.603+1G>A (NM_001286109.2); c.765+1G>A (NM_001286104.2); c.537+1G>A (NM_001286105.2); c.675+1G>A (NM_001286110.2); c.837+1G>A (NM_000086.2).
Identifiers: ClinVar variation 4817103 (VCV004817103.1).